The following is an entry in ClinVar:

ClinVar aggregate classification (germline): Likely benign. Review status: criteria provided, multiple submitters, no conflicts (2 of 4 stars). 2 submissions from 2 submitters: Likely benign (2). Last evaluated 2025-01-23.

Allele frequency attached by ClinVar (database versions not stated): gnomAD 0.00001; TOPMed 0.00001; gnomAD exomes 0.00002.
gnomAD v4.1: 28 of 1,572,314 alleles (0.0018%); highest among the groups gnomAD compares: Non-Finnish European, 0.0021%; no homozygotes.

Submissions (2):

Labcorp Genetics (formerly Invitae), Labcorp
Classification: Likely benign. Last evaluated: 2025-01-23. Review status: criteria provided, single submitter. Criteria: Invitae Variant Classification Sherloc (09022015). Collection method: clinical testing. Allele origin: germline.

CeGaT Center for Human Genetics Tuebingen
Classification: Likely benign. Last evaluated: 2024-10-01. Review status: criteria provided, single submitter. Criteria: CeGaT Center For Human Genetics Tuebingen Variant Classification Criteria Version 2. Collection method: clinical testing. Allele origin: germline. Affected: yes. Observed: 2 variant alleles.
Comment: PNPT1: BP4, BP7

NM_033109.5(PNPT1):c.300T>G (p.Val100=)

Gene: PNPT1 (polyribonucleotide nucleotidyltransferase 1; minus strand). Cytogenetic location: 2p16.1.
Variant type: single nucleotide variant.
Coding change: c.300T>G on transcript NM_033109.5 (MANE Select); coding-DNA position 300, T replaced by G.
Protein change: p.Val100=; no amino-acid change (valine 100 retained).
Molecular consequence: synonymous variant.
Genome position (GRCh38, 1-based): chr2:55,685,046, A>C on the plus strand (T>G on the coding strand, the complement: PNPT1 is on the minus strand). VCF-style: chr2-55685046-A-C. GRCh37 (hg19) VCF-style: chr2-55912181-A-C.
Identifiers: ClinVar variation 1943114 (VCV001943114.32), dbSNP rs149750344, ClinGen allele CA47666060.